The following is an entry in ClinVar:

NM_153490.3(KRT13):c.947C>T (p.Thr316Ile)

Gene: KRT13 (keratin 13; minus strand). Cytogenetic location: 17q21.2.
Variant type: single nucleotide variant.
Coding change: c.947C>T on transcript NM_153490.3 (MANE Select); coding-DNA position 947, C replaced by T.
Protein change: p.Thr316Ile; replaces threonine 316 with isoleucine.
Molecular consequence: missense variant.
Genome position (GRCh38, 1-based): chr17:41,502,763, G>A on the plus strand (C>T on the coding strand, the complement: KRT13 is on the minus strand). VCF-style: chr17-41502763-G-A. GRCh37 (hg19) VCF-style: chr17-39659015-G-A.
Other names: c.947C>T, p.Thr316Ile (NM_002274.4); short protein forms T316I.
Identifiers: ClinVar variation 323083 (VCV000323083.5), dbSNP rs753928241, ClinGen allele CA8560576.

ClinVar aggregate classification (germline): Benign (1 of 4 stars; one submission).

Conditions:
White sponge nevus 2 (WSN2). Identifiers: MedGen C4014321, MONDO:0014346, OMIM 615785.

Allele frequency attached by ClinVar (database versions not stated): gnomAD 0.00014 and 0.00015; gnomAD exomes 0.00027 and 0.00055; TOPMed 0.00039; ExAC 0.00040.
gnomAD v4.1: 186 of 1,614,192 alleles (0.012%); highest among the groups gnomAD compares: Admixed American, 0.3%; 1 homozygote.

Submission:

Illumina Laboratory Services, Illumina
Classification: Benign for White sponge nevus 2. Last evaluated: 2018-01-13. Review status: criteria provided, single submitter. Criteria: ICSL Variant Classification Criteria 13 December 2019. Collection method: clinical testing. Allele origin: germline.
Comment: This variant was observed in the ICSL laboratory as part of a predisposition screen in an ostensibly healthy population. It had not been previously curated by ICSL or reported in the Human Gene Mutation Database (HGMD: prior to June 1st, 2018), and was therefore a candidate for classification through an automated scoring system. Utilizing variant allele frequency, disease prevalence and penetrance estimates, and inheritance mode, an automated score was calculated to assess if this variant is too frequent to cause the disease. Based on the score and internal cut-off values, a variant classified as benign is not then subjected to further curation. The score for this variant resulted in a classification of benign for this disease.